The following is an entry in ClinVar:

NM_001017420.3(ESCO2):c.252_253del (p.Ser85fs)

Gene: ESCO2 (establishment of sister chromatid cohesion N-acetyltransferase 2; plus strand). Cytogenetic location: 8p21.1.
Variant type: Deletion.
Coding change: c.252_253del on transcript NM_001017420.3 (MANE Select); coding-DNA positions 252 to 253, 2 bases deleted (AT; older notation c.252_253delAT).
Protein change: p.Ser85fs; shifts the reading frame from serine 85.
Molecular consequence: frameshift variant.
Genome position (GRCh38, 1-based): chr8:27,776,560-27,776,561, AT deleted; deleting any 2 consecutive bases within chr8:27,776,559-27,776,561 gives the same sequence; the c. name uses the placement nearest the transcript's 3' end. VCF-style (leftmost placement, unchanged base first): chr8-27776558-GTA-G. GRCh37 (hg19) VCF-style: chr8-27634075-GTA-G.
Other names: short protein forms S85fs.
Identifiers: ClinVar variation 21241 (VCV000021241.7), dbSNP rs80359844, ClinGen allele CA341787.

ClinVar aggregate classification (germline): Pathogenic. Review status: criteria provided, multiple submitters, no conflicts (2 of 4 stars). 3 submissions from 3 submitters: Pathogenic (2). 1 of the submissions does not count toward it. Last evaluated 2024-06-07.

Conditions:
Roberts-SC phocomelia syndrome (RBS). Also called: Hypomelia hypotrichosis facial hemangioma syndrome; LONG BONE DEFICIENCIES ASSOCIATED WITH CLEFT LIP-PALATE; Pseudothalidomide syndrome; Appelt-Gerken-Lenz syndrome; ESCO2 Spectrum Disorder. Identifiers: Orphanet 3103, MedGen C0392475, MONDO:0100253, OMIM 268300.
Juberg-Hayward syndrome (JHS). Also called: OROCRANIODIGITAL SYNDROME; Cleft lip/palate with abnormal thumbs and microcephaly. Identifiers: Orphanet 2319, MedGen C0796099, MONDO:0008992, OMIM 216100.

Submissions (3):

Fulgent Genetics
Classification: Pathogenic for Juberg-Hayward syndrome; Roberts-SC phocomelia syndrome. Last evaluated: 2024-06-07. Review status: criteria provided, single submitter. Criteria: ACMG Guidelines, 2015. Collection method: clinical testing. Allele origin: germline.

Labcorp Genetics (formerly Invitae), Labcorp
Classification: Pathogenic. Last evaluated: 2023-02-08. Review status: criteria provided, single submitter. Criteria: Invitae Variant Classification Sherloc (09022015). Collection method: clinical testing. Allele origin: germline.
Comment: This sequence change creates a premature translational stop signal (p.Ser85Phefs*6) in the ESCO2 gene. It is expected to result in an absent or disrupted protein product. Loss-of-function variants in ESCO2 are known to be pathogenic (PMID: 15821733, 16380922). This variant is present in population databases (rs756508716, gnomAD 0.0009%). This premature translational stop signal has been observed in individual(s) with Roberts syndrome (PMID: 15821733). This variant is also known as p.Val84fsX7. ClinVar contains an entry for this variant (Variation ID: 21241). For these reasons, this variant has been classified as Pathogenic.

GeneReviews
No classification provided. Condition: Roberts-SC phocomelia syndrome. Review status: no classification provided. Collection method: literature only. Allele origin: unknown. Not counted in ClinVar's aggregate classification.

Literature cited by the submitters: PubMed 15821733 (cited by Labcorp Genetics (formerly Invitae), Labcorp and GeneReviews); PubMed 16380922 (cited by Labcorp Genetics (formerly Invitae), Labcorp); PubMed 20301332 (cited by GeneReviews); NCBI Bookshelf NBK1153 (cited by GeneReviews).